The following is an entry in ClinVar:

ClinVar aggregate classification (germline): Uncertain significance (1 of 4 stars; one submission).

Allele frequency attached by ClinVar (database versions not stated): gnomAD exomes 0.00001; ExAC 0.00002; gnomAD 0.00002; TOPMed 0.00003; ESP Exome Variant Server 0.00008.
gnomAD v4.1: 22 of 1,613,664 alleles (0.0014%); highest among the groups gnomAD compares: African/African-American, 0.0027%; no homozygotes.

Submission:

Labcorp Genetics (formerly Invitae), Labcorp
Classification: Uncertain significance. Last evaluated: 2021-11-26. Review status: criteria provided, single submitter. Criteria: Invitae Variant Classification Sherloc (09022015). Collection method: clinical testing. Allele origin: germline.
Comment: This sequence change replaces arginine, which is basic and polar, with cysteine, which is neutral and slightly polar, at codon 203 of the PRPF31 protein (p.Arg203Cys). This variant is present in population databases (rs373212857, gnomAD 0.01%). This variant has not been reported in the literature in individuals affected with PRPF31-related conditions. Algorithms developed to predict the effect of missense changes on protein structure and function are either unavailable or do not agree on the potential impact of this missense change (SIFT: "Deleterious"; PolyPhen-2: "Possibly Damaging"; Align-GVGD: "Class C15"). In summary, the available evidence is currently insufficient to determine the role of this variant in disease. Therefore, it has been classified as a Variant of Uncertain Significance.

NM_015629.4(PRPF31):c.607C>T (p.Arg203Cys)

Gene: PRPF31 (pre-mRNA processing factor 31; plus strand). Cytogenetic location: 19q13.42.
Variant type: single nucleotide variant.
Coding change: c.607C>T on transcript NM_015629.4 (MANE Select); coding-DNA position 607, C replaced by T.
Protein change: p.Arg203Cys; replaces arginine 203 with cysteine.
Molecular consequence: missense variant.
Genome position (GRCh38, 1-based): chr19:54,123,828, C>T. VCF-style: chr19-54123828-C-T. GRCh37 (hg19) VCF-style: chr19-54627207-C-T.
Other names: short protein forms R203C.
Identifiers: ClinVar variation 1377996 (VCV001377996.6), dbSNP rs373212857, ClinGen allele CA309325203.
Genomic context (GRCh38, chr19:54,123,828, plus strand): 5'-GAGCTGGAGCGGCTGGAGGAGGCCTGCGACATGGCGCTGGAGCTGAACGCCTCCAAGCAC[C>T]GCATCTACGAGTATGTGGAGTCCCGGATGTCCTTCATCGCACCCAACCTGTCCATCATTA-3'
Protein context (NP_056444.3, residues 193-213): MALELNASKH[Arg203Cys]IYEYVESRMS